The following is an entry in ClinVar:

NM_001267550.2(TTN):c.91373G>A (p.Ser30458Asn)

Genes: TTN (titin; minus strand), TTN-AS1 (TTN antisense RNA 1; plus strand). Cytogenetic location: 2q31.2.
Variant type: single nucleotide variant.
Coding change: c.91373G>A on transcript NM_001267550.2 (MANE Select); coding-DNA position 91373, G replaced by A.
Protein change: p.Ser30458Asn; replaces serine 30458 with asparagine.
Molecular consequence: missense variant.
Genome position (GRCh38, 1-based): chr2:178,551,158, C>T on the plus strand (G>A on the coding strand, the complement: TTN is on the minus strand). VCF-style: chr2-178551158-C-T. GRCh37 (hg19) VCF-style: chr2-179415885-C-T.
Other names: c.86450G>A, p.Ser28817Asn (NM_001256850.1); c.64178G>A, p.Ser21393Asn (NM_003319.4); c.83669G>A, p.Ser27890Asn (NM_133378.4); c.64553G>A, p.Ser21518Asn (NM_133432.3); c.64754G>A, p.Ser21585Asn (NM_133437.4); short protein forms S30458N, S27890N, S21518N, S21393N, S28817N, S21585N.
Identifiers: ClinVar variation 332731 (VCV000332731.13), dbSNP rs376634713, ClinGen allele CA1987639.

ClinVar aggregate classification (germline): Conflicting classifications of pathogenicity. Review status: criteria provided, conflicting classifications (1 of 4 stars). 10 submissions from 6 submitters: Uncertain significance (6); Benign (2); Likely benign (2). Last evaluated 2026-08-05.

Conditions:
Tibial muscular dystrophy (TMD). Also called: UDD MYOPATHY; Tibial muscular dystrophy, tardive; Udd Distal Myopathy – Tibial Muscular Dystrophy. Identifiers: Orphanet 609, MedGen C1838244, MONDO:0010870, OMIM 600334.
Cardiovascular phenotype. Identifiers: MedGen CN230736.
Early-onset myopathy with fatal cardiomyopathy (CMYO5). Also called: Salih Myopathy; CONGENITAL MYOPATHY 5 WITH CARDIOMYOPATHY. Identifiers: Orphanet 289377, MedGen C2673677, MONDO:0012714, OMIM 611705. Disease mechanism: loss of function.
TTN-related disorder. Also called: TTN-related disorders; TTN-related condition; TTN-related disease.
Myopathy, myofibrillar, 9, with early respiratory failure (MFM9). Also called: MYOPATHY, PROXIMAL, WITH EARLY RESPIRATORY MUSCLE INVOLVEMENT; Hereditary myopathy with early respiratory failure; Myopathy, distal, with early respiratory failure, autosomal dominant; EDSTROM MYOPATHY. Identifiers: Orphanet 178464, Orphanet 34521, MedGen C1863599, MONDO:0011362, OMIM 603689.
Autosomal recessive limb-girdle muscular dystrophy type 2J (LGMDR10). Also called: Limb-girdle muscular dystrophy, type 2J; MUSCULAR DYSTROPHY, LIMB-GIRDLE, AUTOSOMAL RECESSIVE 10. Identifiers: Orphanet 140922, MedGen C1837342, MONDO:0012127, OMIM 608807.
Dilated cardiomyopathy 1G (CMD1G). Identifiers: Orphanet 154, MedGen C1858763, MONDO:0011400, OMIM 604145.

Allele frequency attached by ClinVar (database versions not stated): TOPMed 0.00004; ExAC 0.00007; gnomAD exomes 0.00008; gnomAD 0.00009; ESP Exome Variant Server 0.00016; 1000 Genomes Project 0.00020; 1000 Genomes Project 30x 0.00031.

Submissions (10):

PreventionGenetics, part of Exact Sciences
Classification: Uncertain significance for TTN-related condition. Last evaluated: 2026-08-05. Review status: criteria provided, single submitter. Criteria: ACMG Guidelines, 2015. Collection method: clinical testing. Allele origin: germline.
Comment: The TTN c.91373G>A variant is predicted to result in the amino acid substitution p.Ser30458Asn. To our knowledge, this variant has not been reported in the literature. This variant is reported in 0.012% of alleles in individuals of European (Non-Finnish) descent in gnomAD. At this time, the clinical significance of this variant is uncertain due to the absence of conclusive functional and genetic evidence.

Blueprint Genetics
Classification: Likely benign. Last evaluated: 2024-01-04. Review status: criteria provided, single submitter. Criteria: ACMG Guidelines, 2015. Collection method: clinical testing. Allele origin: germline.

Revvity Omics, Revvity
Classification: Uncertain significance. Last evaluated: 2023-09-06. Review status: criteria provided, single submitter. Criteria: ACMG Guidelines, 2015. Collection method: clinical testing. Allele origin: germline.

GeneDx
Classification: Likely benign. Last evaluated: 2019-09-17. Review status: criteria provided, single submitter. Criteria: GeneDx Variant Classification Process June 2021. Collection method: clinical testing. Allele origin: germline. Affected: yes.

Ambry Genetics
Classification: Uncertain significance for Cardiovascular phenotype. Last evaluated: 2018-11-26. Review status: criteria provided, single submitter. Criteria: Ambry Variant Classification Scheme 2023. Collection method: clinical testing. Allele origin: germline.
Comment: The p.S21393N variant (also known as c.64178G>A), located in coding exon 163 of the TTN gene, results from a G to A substitution at nucleotide position 64178. The serine at codon 21393 is replaced by asparagine, an amino acid with highly similar properties. This amino acid position is well conserved in available vertebrate species; however, asparagine is the reference amino acid in other vertebrate species. In addition, this alteration is predicted to be tolerated by in silico analysis. Since supporting evidence is limited at this time, the clinical significance of this alteration remains unclear.

Illumina Laboratory Services, Illumina
Classification: Benign for Myopathy, myofibrillar, 9, with early respiratory failure. Last evaluated: 2018-01-13. Review status: criteria provided, single submitter. Criteria: ICSL Variant Classification Criteria 13 December 2019. Collection method: clinical testing. Allele origin: germline.
Comment: This variant was observed in the ICSL laboratory as part of a predisposition screen in an ostensibly healthy population. It had not been previously curated by ICSL or reported in the Human Gene Mutation Database (HGMD: prior to June 1st, 2018), and was therefore a candidate for classification through an automated scoring system. Utilizing variant allele frequency, disease prevalence and penetrance estimates, and inheritance mode, an automated score was calculated to assess if this variant is too frequent to cause the disease. Based on the score and internal cut-off values, a variant classified as benign is not then subjected to further curation. The score for this variant resulted in a classification of benign for this disease.

Illumina Laboratory Services, Illumina
Classification: Uncertain significance for Dilated cardiomyopathy 1G. Last evaluated: 2018-01-13. Review status: criteria provided, single submitter. Criteria: ICSL Variant Classification Criteria 13 December 2019. Collection method: clinical testing. Allele origin: germline.

Illumina Laboratory Services, Illumina
Classification: Uncertain significance for Early-onset myopathy with fatal cardiomyopathy. Last evaluated: 2018-01-13. Review status: criteria provided, single submitter. Criteria: ICSL Variant Classification Criteria 13 December 2019. Collection method: clinical testing. Allele origin: germline.

Illumina Laboratory Services, Illumina
Classification: Uncertain significance for Autosomal recessive limb-girdle muscular dystrophy type 2J. Last evaluated: 2018-01-13. Review status: criteria provided, single submitter. Criteria: ICSL Variant Classification Criteria 13 December 2019. Collection method: clinical testing. Allele origin: germline.

Illumina Laboratory Services, Illumina
Classification: Benign for Tibial muscular dystrophy. Last evaluated: 2018-01-13. Review status: criteria provided, single submitter. Criteria: ICSL Variant Classification Criteria 13 December 2019. Collection method: clinical testing. Allele origin: germline.
Comment: the same text as in the submission from Illumina Laboratory Services, Illumina above.